The following is an entry in ClinVar:

NM_030662.4(MAP2K2):c.1046+5del

Gene: MAP2K2 (mitogen-activated protein kinase kinase 2; minus strand). Cytogenetic location: 19p13.3.
Variant type: Deletion.
Coding change: c.1046+5del on transcript NM_030662.4 (MANE Select); 5 bases into the intron after coding-DNA position 1046, one base deleted (G; older notation c.1046+5delG).
Molecular consequence: intron variant.
Genome position (GRCh38, 1-based): chr19:4,095,383, C deleted on the plus strand (G on the coding strand, the reverse complement: MAP2K2 is on the minus strand); the first of 2 consecutive C bases (chr19:4,095,383-4,095,384); deleting either gives the same sequence. VCF-style (leftmost placement, unchanged base first): chr19-4095382-AC-A. GRCh37 (hg19) VCF-style: chr19-4095380-AC-A.
Other names: c.767+5del (NM_001440688.1); c.476+5del (NM_001440689.1).
Identifiers: ClinVar variation 4694150 (VCV004694150.1).
Genomic context (GRCh38, chr19:4,095,382, plus strand): 5'-CAGGACCCGGAAGGAGTGGCACATCTGGGTCCCGGCCAGGGGTGTGGGCAGCCCGGCTCC[AC>A]CTACCATTTATTGACAAACTCCTGGAAGTCGGGGGTGAACACACCGTTGGGCAGCTTAGG-3'

ClinVar aggregate classification (germline): Uncertain significance (1 of 4 stars; one submission).

Conditions:
RASopathy. Also called: rasopathies; Noonan spectrum disorder. Identifiers: Orphanet 536391, MedGen C5555857, MONDO:0021060.

Submission:

Labcorp Genetics (formerly Invitae), Labcorp
Classification: Uncertain significance for RASopathy. Last evaluated: 2025-07-15. Review status: criteria provided, single submitter. Criteria: Invitae Variant Classification Sherloc (09022015). Collection method: clinical testing. Allele origin: germline.
Comment: This sequence change falls in intron 9 of the MAP2K2 gene. It does not directly change the encoded amino acid sequence of the MAP2K2 protein. It affects a nucleotide within the consensus splice site. This variant is not present in population databases (gnomAD no frequency). This variant has not been reported in the literature in individuals affected with MAP2K2-related conditions. Variants that disrupt the consensus splice site are a relatively common cause of aberrant splicing (PMID: 17576681, 9536098). Algorithms developed to predict the effect of sequence changes on RNA splicing suggest that this variant may disrupt the consensus splice site. In summary, the available evidence is currently insufficient to determine the role of this variant in disease. Therefore, it has been classified as a Variant of Uncertain Significance.

Literature cited by the submitters: PubMed 17576681; PubMed 9536098.